The following is an entry in ClinVar:

ClinVar aggregate classification (germline): Uncertain significance (1 of 4 stars; one submission).

Conditions:
NIK deficiency. Also called: Primary immunodeficiency with multifaceted aberrant lymphoid immunity. Identifiers: Orphanet 447731, MedGen C5680065, MONDO:0018642.

Allele frequency attached by ClinVar (database versions not stated): gnomAD exomes below 0.00001.

Submission:

Labcorp Genetics (formerly Invitae), Labcorp
Classification: Uncertain significance for NIK deficiency. Last evaluated: 2024-01-04. Review status: criteria provided, single submitter. Criteria: Invitae Variant Classification Sherloc (09022015). Collection method: clinical testing. Allele origin: germline.
Comment: This sequence change replaces arginine, which is basic and polar, with tryptophan, which is neutral and slightly polar, at codon 218 of the MAP3K14 protein (p.Arg218Trp). This variant is present in population databases (no rsID available, gnomAD 0.006%). This variant has not been reported in the literature in individuals affected with MAP3K14-related conditions. Experimental studies and prediction algorithms are not available or were not evaluated, and the functional significance of this variant is currently unknown. In summary, the available evidence is currently insufficient to determine the role of this variant in disease. Therefore, it has been classified as a Variant of Uncertain Significance.

NM_003954.5(MAP3K14):c.652C>T (p.Arg218Trp)

Gene: MAP3K14 (mitogen-activated protein kinase kinase kinase 14; minus strand). Cytogenetic location: 17q21.31.
Variant type: single nucleotide variant.
Coding change: c.652C>T on transcript NM_003954.5 (MANE Select); coding-DNA position 652, C replaced by T.
Protein change: p.Arg218Trp; replaces arginine 218 with tryptophan.
Molecular consequence: missense variant.
Genome position (GRCh38, 1-based): chr17:45,286,931, G>A on the plus strand (C>T on the coding strand, the complement: MAP3K14 is on the minus strand). VCF-style: chr17-45286931-G-A. GRCh37 (hg19) VCF-style: chr17-43364297-G-A.
Other names: short protein forms R218W.
Identifiers: ClinVar variation 2986583 (VCV002986583.3), dbSNP rs1171942156, ClinGen allele CA399889222.
Genomic context (GRCh38, chr17:45,286,931, plus strand): 5'-GGTTCAGACATTGCAAGGGGCTGATCAGTTTGTGGAGTTCTGATCGAGGCAGAGCCGGCC[G>A]TAGGCCCTCGCCAAGCTGCTTAAAACAGAGTTGCCCAAGGCCTGGTTCCTTCAGAGGCTT-3'
Protein context (NP_003945.2, residues 208-228): LCFKQLGEGL[Arg218Trp]PALPRSELHK